The following is an entry in ClinVar:

NM_006269.2(RP1):c.2110del (p.Thr704fs)

Gene: RP1 (RP1 axonemal microtubule associated; plus strand). Cytogenetic location: 8q12.1.
Variant type: Deletion.
Coding change: c.2110del on transcript NM_006269.2 (MANE Select); coding-DNA position 2110, one base deleted (A; older notation c.2110delA).
Protein change: p.Thr704fs; shifts the reading frame from threonine 704.
Molecular consequence: frameshift variant. On other transcripts: intron variant (1).
Genome position (GRCh38, 1-based): chr8:54,625,992, A deleted. VCF-style (leftmost placement, unchanged base first): chr8-54625991-CA-C. GRCh37 (hg19) VCF-style: chr8-55538551-CA-C.
Other names: c.787+3704del (NM_001375654.1); short protein forms T704fs.
Identifiers: ClinVar variation 938558 (VCV000938558.9), dbSNP rs1806033714, ClinGen allele CA1139660532.

ClinVar aggregate classification (germline): Pathogenic (1 of 4 stars; one submission).

Submission:

Labcorp Genetics (formerly Invitae), Labcorp
Classification: Pathogenic. Last evaluated: 2022-03-09. Review status: criteria provided, single submitter. Criteria: Invitae Variant Classification Sherloc (09022015). Collection method: clinical testing. Allele origin: germline.
Comment: This variant disrupts the C-terminus of the RP1 protein. Many variants that disrupt this region have been reported in individuals with either autosomal dominant or autosomal recessive retinitis pigmentosa (PMID: 11527933, 19933189, 29425069, 30027431, 33681214). Therefore, variants that disrupt this region are expected to be disease-causing. For these reasons, this variant has been classified as Pathogenic. ClinVar contains an entry for this variant (Variation ID: 938558). This premature translational stop signal has been observed in individuals with retinitis pigmentosa (Invitae). This variant is not present in population databases (gnomAD no frequency). This sequence change creates a premature translational stop signal (p.Thr704Glnfs*9) in the RP1 gene. While this is not anticipated to result in nonsense mediated decay, it is expected to disrupt the last 1453 amino acid(s) of the RP1 protein.

Literature cited by the submitters: PubMed 11527933; PubMed 19933189; PubMed 29425069; PubMed 30027431; PubMed 33681214.